The following is an entry in ClinVar:

ClinVar aggregate classification (germline): Conflicting classifications of pathogenicity. Review status: criteria provided, conflicting classifications (1 of 4 stars). 3 submissions from 3 submitters: Uncertain significance (2); Likely benign (1). Last evaluated 2025-03-25.

Conditions:
Dilated cardiomyopathy 1G (CMD1G). Identifiers: Orphanet 154, MedGen C1858763, MONDO:0011400, OMIM 604145.
Autosomal recessive limb-girdle muscular dystrophy type 2J (LGMDR10). Also called: MUSCULAR DYSTROPHY, LIMB-GIRDLE, AUTOSOMAL RECESSIVE 10; Limb-girdle muscular dystrophy, type 2J. Identifiers: Orphanet 140922, MedGen C1837342, MONDO:0012127, OMIM 608807.

Allele frequency attached by ClinVar (database versions not stated): TOPMed 0.00001.
gnomAD v4.1: 1 of 1,613,768 alleles (0.000062%); highest among the groups gnomAD compares: Non-Finnish European, 0.000085%; no homozygotes.

Submissions (3):

GeneDx
Classification: Uncertain significance. Last evaluated: 2025-03-25. Review status: criteria provided, single submitter. Criteria: GeneDx Variant Classification Process June 2021. Collection method: clinical testing. Allele origin: germline. Affected: yes.
Comment: Not observed at significant frequency in large population cohorts (gnomAD); Missense variant in a gene in which most reported pathogenic variants are truncating/loss of function; Has not been previously published as pathogenic or benign to our knowledge

Blueprint Genetics
Classification: Likely benign. Last evaluated: 2021-08-11. Review status: criteria provided, single submitter. Criteria: ACMG Guidelines, 2015. Collection method: clinical testing. Allele origin: germline.

Labcorp Genetics (formerly Invitae), Labcorp
Classification: Uncertain significance for Dilated cardiomyopathy 1G; Autosomal recessive limb-girdle muscular dystrophy type 2J. Last evaluated: 2021-08-02. Review status: criteria provided, single submitter. Criteria: Invitae Variant Classification Sherloc (09022015). Collection method: clinical testing. Allele origin: germline.
Comment: This variant is located in the M band of TTN (PMID: 25589632). Variants in this region may be relevant for neuromuscular disorders, but have not been definitively shown to cause cardiomyopathy (PMID: 23975875). In summary, the available evidence is currently insufficient to determine the role of this variant in disease. Therefore, it has been classified as a Variant of Uncertain Significance. Experimental studies and prediction algorithms are not available or were not evaluated, and the functional significance of this variant is currently unknown. This variant has not been reported in the literature in individuals affected with TTN-related conditions. This variant is not present in population databases (ExAC no frequency). This sequence change replaces alanine with threonine at codon 34038 of the TTN protein (p.Ala34038Thr). There is a small physicochemical difference between alanine and threonine.

Literature cited by the submitters: PubMed 25589632 (cited by Labcorp Genetics (formerly Invitae), Labcorp); PubMed 23975875 (cited by Labcorp Genetics (formerly Invitae), Labcorp).

NM_001267550.2(TTN):c.102112G>A (p.Ala34038Thr)

Genes: TTN (titin; minus strand), TTN-AS1 (TTN antisense RNA 1; plus strand). Cytogenetic location: 2q31.2.
Variant type: single nucleotide variant.
Coding change: c.102112G>A on transcript NM_001267550.2 (MANE Select); coding-DNA position 102112, G replaced by A.
Protein change: p.Ala34038Thr; replaces alanine 34038 with threonine.
Molecular consequence: missense variant.
Genome position (GRCh38, 1-based): chr2:178,534,503, C>T on the plus strand (G>A on the coding strand, the complement: TTN is on the minus strand). VCF-style: chr2-178534503-C-T. GRCh37 (hg19) VCF-style: chr2-179399230-C-T.
Other names: c.102112G>A (NM_001267550.1); c.97189G>A, p.Ala32397Thr (NM_001256850.1); c.74917G>A, p.Ala24973Thr (NM_003319.4); c.94408G>A, p.Ala31470Thr (NM_133378.4); c.75292G>A, p.Ala25098Thr (NM_133432.3); c.75493G>A, p.Ala25165Thr (NM_133437.4); short protein forms A25165T, A31470T, A24973T, A25098T, A32397T, A34038T.
Identifiers: ClinVar variation 1489429 (VCV001489429.8), dbSNP rs1690579265, ClinGen allele CA349418334.